The following is an entry in ClinVar:

NC_000016.9:g.(?_89484692)_(89623501_?)dup

Genes: ANKRD11 (ankyrin repeat domain 11; minus strand), SPG7 (SPG7 matrix AAA peptidase subunit, paraplegin; plus strand), LOC101927817 (uncharacterized LOC101927817; plus strand). Cytogenetic location: 16q24.3.
Variant type: Duplication.
Identifiers: ClinVar variation 1411747 (VCV001411747.5).

ClinVar aggregate classification (germline): Uncertain significance (1 of 4 stars; one submission).

Conditions:
KBG syndrome (KBGS). Also called: ANKRD11-Related KBG Syndrome. Identifiers: Orphanet 2332, MedGen C0220687, MONDO:0007846, OMIM 148050.

Submission:

Labcorp Genetics (formerly Invitae), Labcorp
Classification: Uncertain significance for KBG syndrome. Last evaluated: 2022-08-16. Review status: criteria provided, single submitter. Criteria: Invitae Variant Classification Sherloc (09022015). Collection method: clinical testing. Allele origin: germline.
Comment: In summary, the available evidence is currently insufficient to determine the role of this variant in disease. Therefore, it has been classified as a Variant of Uncertain Significance. Experimental studies and prediction algorithms are not available or were not evaluated, and the functional significance of this variant is currently unknown. This variant has not been reported in the literature in individuals affected with ANKRD11-related conditions. This variant occurs in a non-coding region of the ANKRD11 gene. It does not change the encoded amino acid sequence of the ANKRD11 protein.